The following is an entry in ClinVar:

NM_015102.5(NPHP4):c.92T>C (p.Phe31Ser)

Gene: NPHP4 (nephrocystin 4; minus strand). Cytogenetic location: 1p36.31.
Variant type: single nucleotide variant.
Coding change: c.92T>C on transcript NM_015102.5 (MANE Select); coding-DNA position 92, T replaced by C.
Protein change: p.Phe31Ser; replaces phenylalanine 31 with serine.
Molecular consequence: missense variant. On other transcripts: 5 prime UTR variant (1), non-coding transcript variant (1), intron variant (1).
Genome position (GRCh38, 1-based): chr1:5,986,198, A>G on the plus strand (T>C on the coding strand, the complement: NPHP4 is on the minus strand). VCF-style: chr1-5986198-A-G. GRCh37 (hg19) VCF-style: chr1-6046258-A-G.
Other names: c.-1138T>C (NM_001291593.2); c.-1088+6046T>C (NM_001291594.2); short protein forms F31S.
Identifiers: ClinVar variation 1716595 (VCV001716595.5), dbSNP rs2524173564, ClinGen allele CA338055024.

ClinVar aggregate classification (germline): Uncertain significance (1 of 4 stars; one submission).

Conditions:
Nephronophthisis. Also called: Juvenile Nephronophthisis. Identifiers: Orphanet 655, MedGen C0687120, MONDO:0019005, HP:0000090.

Submission:

Labcorp Genetics (formerly Invitae), Labcorp
Classification: Uncertain significance for Nephronophthisis. Last evaluated: 2022-11-29. Review status: criteria provided, single submitter. Criteria: Invitae Variant Classification Sherloc (09022015). Collection method: clinical testing. Allele origin: germline.
Comment: Advanced modeling of protein sequence and biophysical properties (such as structural, functional, and spatial information, amino acid conservation, physicochemical variation, residue mobility, and thermodynamic stability) performed at Invitae indicates that this missense variant is expected to disrupt NPHP4 protein function. This variant has not been reported in the literature in individuals affected with NPHP4-related conditions. This variant is not present in population databases (gnomAD no frequency). This sequence change replaces phenylalanine, which is neutral and non-polar, with serine, which is neutral and polar, at codon 31 of the NPHP4 protein (p.Phe31Ser). In summary, the available evidence is currently insufficient to determine the role of this variant in disease. Therefore, it has been classified as a Variant of Uncertain Significance.